The following is an entry in ClinVar:

NM_006744.4(RBP4):c.85G>C (p.Val29Leu)

Gene: RBP4 (retinol binding protein 4; minus strand). Cytogenetic location: 10q23.33.
Variant type: single nucleotide variant.
Coding change: c.85G>C on transcript NM_006744.4 (MANE Select); coding-DNA position 85, G replaced by C.
Protein change: p.Val29Leu; replaces valine 29 with leucine.
Molecular consequence: missense variant.
Genome position (GRCh38, 1-based): chr10:93,600,944, C>G on the plus strand (G>C on the coding strand, the complement: RBP4 is on the minus strand). VCF-style: chr10-93600944-C-G. GRCh37 (hg19) VCF-style: chr10-95360701-C-G.
Other names: c.85G>C, p.Val29Leu (NM_001323517.1); c.79G>C, p.Val27Leu (NM_001323518.2); short protein forms V27L, V29L.
Identifiers: ClinVar variation 2764691 (VCV002764691.3), dbSNP rs2494070018, ClinGen allele CA377618745.

ClinVar aggregate classification (germline): Uncertain significance (1 of 4 stars; one submission).

Submission:

Labcorp Genetics (formerly Invitae), Labcorp
Classification: Uncertain significance. Last evaluated: 2023-09-30. Review status: criteria provided, single submitter. Criteria: Invitae Variant Classification Sherloc (09022015). Collection method: clinical testing. Allele origin: germline.
Comment: This variant is not present in population databases (gnomAD no frequency). In summary, the available evidence is currently insufficient to determine the role of this variant in disease. Therefore, it has been classified as a Variant of Uncertain Significance. An algorithm developed to predict the effect of missense changes on protein structure and function (PolyPhen-2) suggests that this variant is likely to be tolerated. This variant has not been reported in the literature in individuals affected with RBP4-related conditions. This sequence change replaces valine, which is neutral and non-polar, with leucine, which is neutral and non-polar, at codon 29 of the RBP4 protein (p.Val29Leu).